The following is an entry in ClinVar:

NM_001267550.2(TTN):c.104277G>A (p.Lys34759=)

Genes: TTN (titin; minus strand), TTN-AS1 (TTN antisense RNA 1; plus strand). Cytogenetic location: 2q31.2.
Variant type: single nucleotide variant.
Coding change: c.104277G>A on transcript NM_001267550.2 (MANE Select); coding-DNA position 104277, G replaced by A.
Protein change: p.Lys34759=; no amino-acid change (lysine 34759 retained).
Molecular consequence: synonymous variant.
Genome position (GRCh38, 1-based): chr2:178,532,338, C>T on the plus strand (G>A on the coding strand, the complement: TTN is on the minus strand). VCF-style: chr2-178532338-C-T. GRCh37 (hg19) VCF-style: chr2-179397065-C-T.
Other names: c.99354G>A, p.Lys33118= (NM_001256850.1); c.77082G>A, p.Lys25694= (NM_003319.4); c.96573G>A, p.Lys32191= (NM_133378.4); c.77457G>A, p.Lys25819= (NM_133432.3); c.77658G>A, p.Lys25886= (NM_133437.4).
Identifiers: ClinVar variation 332692 (VCV000332692.28), dbSNP rs377391143, ClinGen allele CA1985449.

ClinVar aggregate classification (germline): Conflicting classifications of pathogenicity. Review status: criteria provided, conflicting classifications (1 of 4 stars). 12 submissions from 8 submitters: Uncertain significance (5); Benign (2); Likely benign (5). Last evaluated 2026-02-02.

Conditions:
Myopathy, myofibrillar, 9, with early respiratory failure (MFM9). Also called: MYOPATHY, PROXIMAL, WITH EARLY RESPIRATORY MUSCLE INVOLVEMENT; Hereditary myopathy with early respiratory failure; Myopathy, distal, with early respiratory failure, autosomal dominant; EDSTROM MYOPATHY. Identifiers: Orphanet 178464, Orphanet 34521, MedGen C1863599, MONDO:0011362, OMIM 603689.
Dilated cardiomyopathy 1G (CMD1G). Identifiers: Orphanet 154, MedGen C1858763, MONDO:0011400, OMIM 604145.
Cardiovascular phenotype. Identifiers: MedGen CN230736.
Early-onset myopathy with fatal cardiomyopathy (CMYO5). Also called: Salih Myopathy; CONGENITAL MYOPATHY 5 WITH CARDIOMYOPATHY. Identifiers: Orphanet 289377, MedGen C2673677, MONDO:0012714, OMIM 611705. Disease mechanism: loss of function.
Tibial muscular dystrophy (TMD). Also called: UDD MYOPATHY; Tibial muscular dystrophy, tardive; Udd Distal Myopathy – Tibial Muscular Dystrophy. Identifiers: Orphanet 609, MedGen C1838244, MONDO:0010870, OMIM 600334.
Autosomal recessive limb-girdle muscular dystrophy type 2J (LGMDR10). Also called: Limb-girdle muscular dystrophy, type 2J; MUSCULAR DYSTROPHY, LIMB-GIRDLE, AUTOSOMAL RECESSIVE 10. Identifiers: Orphanet 140922, MedGen C1837342, MONDO:0012127, OMIM 608807.
TTN-related disorder. Also called: TTN-related disorders; TTN-related condition; TTN-related disease.

Allele frequency attached by ClinVar (database versions not stated): gnomAD exomes 0.00003 and 0.00004; ExAC 0.00007; TOPMed 0.00025; gnomAD 0.00029 and 0.00031; 1000 Genomes Project 30x 0.00031; 1000 Genomes Project 0.00040; ESP Exome Variant Server 0.00040.
gnomAD v4.1: 82 of 1,614,006 alleles (0.0051%); highest among the groups gnomAD compares: African/African-American, 0.11%; 1 homozygote.

Submissions (12):

PreventionGenetics, part of Exact Sciences
Classification: Likely benign for TTN-related condition. Last evaluated: 2026-02-02. Review status: criteria provided, single submitter. Criteria: ACMG Guidelines, 2015. Collection method: clinical testing. Allele origin: germline.
Comment: This variant is classified as likely benign based on ACMG/AMP sequence variant interpretation guidelines (Richards et al. 2015 PMID: 25741868, with internal and published modifications).

Labcorp Genetics (formerly Invitae), Labcorp
Classification: Likely benign for Dilated cardiomyopathy 1G; Autosomal recessive limb-girdle muscular dystrophy type 2J. Last evaluated: 2026-01-11. Review status: criteria provided, single submitter. Criteria: Invitae Variant Classification Sherloc (09022015). Collection method: clinical testing. Allele origin: germline.

Women's Health and Genetics/Laboratory Corporation of America, LabCorp
Classification: Likely benign. Last evaluated: 2025-02-22. Review status: criteria provided, single submitter. Criteria: LabCorp Variant Classification Summary - May 2015. Collection method: clinical testing. Allele origin: germline.

GeneDx
Classification: Likely benign. Last evaluated: 2020-12-02. Review status: criteria provided, single submitter. Criteria: GeneDx Variant Classification Process June 2021. Collection method: clinical testing. Allele origin: germline. Affected: yes.

Revvity Omics, Revvity
Classification: Uncertain significance. Last evaluated: 2019-07-24. Review status: criteria provided, single submitter. Criteria: ACMG Guidelines, 2015. Collection method: clinical testing. Allele origin: germline.

Ambry Genetics
Classification: Likely benign for Cardiovascular phenotype. Last evaluated: 2019-06-24. Review status: criteria provided, single submitter. Criteria: Ambry Variant Classification Scheme 2023. Collection method: clinical testing. Allele origin: germline.

Illumina Laboratory Services, Illumina
Classification: Uncertain significance for Dilated cardiomyopathy 1G. Last evaluated: 2018-01-12. Review status: criteria provided, single submitter. Criteria: ICSL Variant Classification Criteria 13 December 2019. Collection method: clinical testing. Allele origin: germline.

Illumina Laboratory Services, Illumina
Classification: Uncertain significance for Autosomal recessive limb-girdle muscular dystrophy type 2J. Last evaluated: 2018-01-12. Review status: criteria provided, single submitter. Criteria: ICSL Variant Classification Criteria 13 December 2019. Collection method: clinical testing. Allele origin: germline.

Illumina Laboratory Services, Illumina
Classification: Benign for Tibial muscular dystrophy. Last evaluated: 2018-01-12. Review status: criteria provided, single submitter. Criteria: ICSL Variant Classification Criteria 13 December 2019. Collection method: clinical testing. Allele origin: germline.
Comment: This variant was observed in the ICSL laboratory as part of a predisposition screen in an ostensibly healthy population. It had not been previously curated by ICSL or reported in the Human Gene Mutation Database (HGMD: prior to June 1st, 2018), and was therefore a candidate for classification through an automated scoring system. Utilizing variant allele frequency, disease prevalence and penetrance estimates, and inheritance mode, an automated score was calculated to assess if this variant is too frequent to cause the disease. Based on the score and internal cut-off values, a variant classified as benign is not then subjected to further curation. The score for this variant resulted in a classification of benign for this disease.

Illumina Laboratory Services, Illumina
Classification: Uncertain significance for Early-onset myopathy with fatal cardiomyopathy. Last evaluated: 2018-01-12. Review status: criteria provided, single submitter. Criteria: ICSL Variant Classification Criteria 13 December 2019. Collection method: clinical testing. Allele origin: germline.

Illumina Laboratory Services, Illumina
Classification: Benign for Myopathy, myofibrillar, 9, with early respiratory failure. Last evaluated: 2018-01-12. Review status: criteria provided, single submitter. Criteria: ICSL Variant Classification Criteria 13 December 2019. Collection method: clinical testing. Allele origin: germline.
Comment: the same text as in the submission from Illumina Laboratory Services, Illumina above.

Eurofins Ntd Llc (ga)
Classification: Uncertain significance. Last evaluated: 2017-11-10. Review status: criteria provided, single submitter. Criteria: EGL Classification Definitions 2015. Collection method: clinical testing. Allele origin: germline. Observed: 3 variant alleles, 3 heterozygotes.